The following is an entry in ClinVar:

NM_022835.3(PLEKHG2):c.4032C>T (p.Gly1344=)

Gene: PLEKHG2 (pleckstrin homology and RhoGEF domain containing G2; plus strand). Cytogenetic location: 19q13.2.
Variant type: single nucleotide variant.
Coding change: c.4032C>T on transcript NM_022835.3 (MANE Select); coding-DNA position 4032, C replaced by T.
Protein change: p.Gly1344=; no amino-acid change (glycine 1344 retained).
Molecular consequence: synonymous variant. On other transcripts: intron variant (2).
Genome position (GRCh38, 1-based): chr19:39,425,165, C>T. VCF-style: chr19-39425165-C-T. GRCh37 (hg19) VCF-style: chr19-39915805-C-T.
Other names: c.4032C>T (NM_022835.2); c.3573-73C>T (NM_001351693.2); c.1678-73C>T (NM_001351694.2).
Identifiers: ClinVar variation 1402759 (VCV001402759.9), dbSNP rs371467706, ClinGen allele CA9430121.

ClinVar aggregate classification (germline): Likely benign. Review status: criteria provided, multiple submitters, no conflicts (2 of 4 stars). 3 submissions from 3 submitters: Likely benign (3). Last evaluated 2026-04-01.

Conditions:
PLEKHG2-related disorder. Also called: PLEKHG2-related condition.

Allele frequency attached by ClinVar (database versions not stated): ExAC 0.00005; gnomAD exomes 0.00007; ESP Exome Variant Server 0.00008; gnomAD 0.00009 and 0.00012; TOPMed 0.00009; 1000 Genomes Project 30x 0.00016; 1000 Genomes Project 0.00020.
gnomAD v4.1: 113 of 1,598,218 alleles (0.0071%); highest among the groups gnomAD compares: South Asian, 0.019%; no homozygotes.

Submissions (3):

CeGaT Center for Human Genetics Tuebingen
Classification: Likely benign. Last evaluated: 2026-04-01. Review status: criteria provided, single submitter. Criteria: CeGaT Center For Human Genetics Tuebingen Variant Classification Criteria Version 2. Collection method: clinical testing. Allele origin: germline. Affected: yes. Observed: 1 variant allele.
Comment: PLEKHG2: BP4, BP7

PreventionGenetics, part of Exact Sciences
Classification: Likely benign for PLEKHG2-related condition. Last evaluated: 2025-12-11. Review status: criteria provided, single submitter. Criteria: ACMG Guidelines, 2015. Collection method: clinical testing. Allele origin: germline.
Comment: This variant is classified as likely benign based on ACMG/AMP sequence variant interpretation guidelines (Richards et al. 2015 PMID: 25741868, with internal and published modifications).

Labcorp Genetics (formerly Invitae), Labcorp
Classification: Likely benign. Last evaluated: 2025-09-02. Review status: criteria provided, single submitter. Criteria: Invitae Variant Classification Sherloc (09022015). Collection method: clinical testing. Allele origin: germline.